The following is an entry in ClinVar:

NM_015021.3(ZNF292):c.1273C>T (p.Pro425Ser)

Gene: ZNF292 (zinc finger protein 292; plus strand). Cytogenetic location: 6q14.3.
Variant type: single nucleotide variant.
Coding change: c.1273C>T on transcript NM_015021.3 (MANE Select); coding-DNA position 1273, C replaced by T.
Protein change: p.Pro425Ser; replaces proline 425 with serine.
Molecular consequence: missense variant.
Genome position (GRCh38, 1-based): chr6:87,254,902, C>T. VCF-style: chr6-87254902-C-T. GRCh37 (hg19) VCF-style: chr6-87964620-C-T.
Other names: c.853C>T, p.Pro285Ser (NM_001351444.2); short protein forms P285S, P425S.
Identifiers: ClinVar variation 1683668 (VCV001683668.2), dbSNP rs2127856543, ClinGen allele CA364908678.

ClinVar aggregate classification (germline): Uncertain significance (1 of 4 stars; one submission).

Conditions:
Intellectual developmental disorder, autosomal dominant 64. Also called: MENTAL RETARDATION, AUTOSOMAL DOMINANT 64. Identifiers: MedGen C5543067, MONDO:0030934, OMIM 619188.

Submission:

Laboratorio de Genetica e Diagnostico Molecular, Hospital Israelita Albert Einstein
Classification: Uncertain significance for Intellectual developmental disorder, autosomal dominant 64. Last evaluated: 2021-12-23. Review status: criteria provided, single submitter. Criteria: ACMG Guidelines, 2015. Collection method: clinical testing. Allele origin: germline. Affected: yes.
Comment: ACMG classification criteria: PM2 moderate, BP4 supporting